The following is an entry in ClinVar:

NM_001366521.1(ATP2B1):c.733G>T (p.Gly245Cys)

Gene: ATP2B1 (ATPase plasma membrane Ca2+ transporting 1; minus strand). Cytogenetic location: 12q21.33.
Variant type: single nucleotide variant.
Coding change: c.733G>T on transcript NM_001366521.1 (MANE Select); coding-DNA position 733, G replaced by T.
Protein change: p.Gly245Cys; replaces glycine 245 with cysteine.
Molecular consequence: missense variant. On other transcripts: non-coding transcript variant (3), intron variant (5).
Genome position (GRCh38, 1-based): chr12:89,634,832, C>A on the plus strand (G>T on the coding strand, the complement: ATP2B1 is on the minus strand). VCF-style: chr12-89634832-C-A. GRCh37 (hg19) VCF-style: chr12-90028609-C-A.
Other names: c.733G>T, p.Gly245Cys (NM_001001323.2, NM_001366520.1, NM_001366522.1 and 17 more transcripts); c.535G>T, p.Gly179Cys (NM_001366530.1, NM_001413053.1); c.478G>T, p.Gly160Cys (NM_001413056.1); c.280G>T, p.Gly94Cys (NM_001413057.1); c.406+7326G>T (NM_001413060.1, NM_001366531.1, NM_001413058.1 and 2 more transcripts); short protein forms G160C, G179C, G245C, G94C.
Identifiers: ClinVar variation 3369657 (VCV003369657.1).

ClinVar aggregate classification (germline): Uncertain significance (1 of 4 stars; one submission).

Submission:

GeneDx
Classification: Uncertain significance. Last evaluated: 2024-02-27. Review status: criteria provided, single submitter. Criteria: GeneDx Variant Classification Process June 2021. Collection method: clinical testing. Allele origin: germline. Affected: yes.
Comment: Not observed at significant frequency in large population cohorts (gnomAD); In silico analysis supports that this missense variant has a deleterious effect on protein structure/function; Has not been previously published as pathogenic or benign to our knowledge